The following is an entry in ClinVar:

NM_024675.4(PALB2):c.1719T>C (p.Leu573=)

Gene: PALB2 (partner and localizer of BRCA2; minus strand). Cytogenetic location: 16p12.2.
Variant type: single nucleotide variant.
Coding change: c.1719T>C on transcript NM_024675.4 (MANE Select); coding-DNA position 1719, T replaced by C.
Protein change: p.Leu573=; no amino-acid change (leucine 573 retained).
Molecular consequence: synonymous variant. On other transcripts: 5 prime UTR variant (2), intron variant (1).
Genome position (GRCh38, 1-based): chr16:23,630,435, A>G on the plus strand (T>C on the coding strand, the complement: PALB2 is on the minus strand). VCF-style: chr16-23630435-A-G. GRCh37 (hg19) VCF-style: chr16-23641756-A-G.
Other names: c.1719T>C, p.Leu573= (NM_001407299.1, NM_001407300.1, NM_001407301.1 and 3 more transcripts); c.834T>C, p.Leu278= (NM_001407304.1, NM_001407305.1, NM_001407306.1 and 5 more transcripts); c.1659T>C, p.Leu553= (NM_001407296.1); c.-70T>C (NM_001407312.1, NM_001407313.1); c.49-1160T>C (NM_001407314.1).
Identifiers: ClinVar variation 3903463 (VCV003903463.2).
Genomic context (GRCh38, chr16:23,630,435, plus strand): 5'-ATGAAATGGAGCCGTGAAAGCATCATCATCCAAGGATAAATAAGCACTATTACTCCAAGA[A>G]AGGGAATCCTCTTTTTGATGACGACTTTTCTTCCCTAAAGAAGAAAAATAAGTCACAAAA-3'
Protein context (NP_078951.2, residues 563-583): KKSRHQKEDS[Leu573=]SWSNSAYLSL

ClinVar aggregate classification (germline): Benign/Likely benign. Review status: criteria provided, multiple submitters, no conflicts (2 of 4 stars). 2 submissions from 2 submitters: Benign (1); Likely benign (1). Last evaluated 2026-03-12.

Conditions:
Familial cancer of breast. Also called: BREAST CANCER, FAMILIAL; Hereditary breast cancer; hereditary breast carcinoma. Identifiers: Orphanet 227535, MedGen C0346153, MONDO:0016419, OMIM 114480. Disease mechanism: loss of function.
Hereditary cancer-predisposing syndrome. Also called: Neoplastic Syndromes, Hereditary; Tumor predisposition; Hereditary neoplastic syndrome; Hereditary Cancer Syndrome. Identifiers: Orphanet 140162, MedGen C0027672, MeSH D009386, MONDO:0015356.

Submissions (2):

Ambry Genetics
Classification: Likely benign for Hereditary cancer-predisposing syndrome. Last evaluated: 2026-03-12. Review status: criteria provided, single submitter. Criteria: Ambry Variant Classification Scheme 2023. Collection method: clinical testing. Allele origin: germline.

Myriad Genetics, Inc.
Classification: Benign for Familial cancer of breast. Last evaluated: 2025-01-14. Review status: criteria provided, single submitter. Criteria: Myriad Autosomal Dominant, Autosomal Recessive and X-Linked Classification Criteria (2023). Collection method: clinical testing. Allele origin: unknown.
Comment: This variant is considered benign. This variant is a silent/synonymous amino acid change and it is not expected to impact splicing.